The following is an entry in ClinVar:

ClinVar aggregate classification (germline): Uncertain significance (1 of 4 stars; one submission).

Allele frequency attached by ClinVar (database versions not stated): TOPMed below 0.00001.
gnomAD v4.1: 6 of 1,612,892 alleles (0.00037%); highest among the groups gnomAD compares: South Asian, 0.0011%; no homozygotes.

Submission:

Labcorp Genetics (formerly Invitae), Labcorp
Classification: Uncertain significance. Last evaluated: 2022-06-04. Review status: criteria provided, single submitter. Criteria: Invitae Variant Classification Sherloc (09022015). Collection method: clinical testing. Allele origin: germline.
Comment: In summary, the available evidence is currently insufficient to determine the role of this variant in disease. Therefore, it has been classified as a Variant of Uncertain Significance. Algorithms developed to predict the effect of missense changes on protein structure and function (SIFT, PolyPhen-2, Align-GVGD) all suggest that this variant is likely to be disruptive. This variant has not been reported in the literature in individuals affected with SAMD11-related conditions. This variant is present in population databases (no rsID available, gnomAD 0.003%). This sequence change replaces glycine, which is neutral and non-polar, with glutamic acid, which is acidic and polar, at codon 526 of the SAMD11 protein (p.Gly526Glu).

NM_001385641.1(SAMD11):c.2066G>A (p.Gly689Glu)

Genes: SAMD11 (sterile alpha motif domain containing 11; plus strand), LOC129929063 (ATAC-STARR-seq lymphoblastoid active region 4; plus strand). Cytogenetic location: 1p36.33.
Variant type: single nucleotide variant.
Coding change: c.2066G>A on transcript NM_001385641.1 (MANE Select); coding-DNA position 2066, G replaced by A.
Protein change: p.Gly689Glu; replaces glycine 689 with glutamic acid.
Molecular consequence: missense variant.
Genome position (GRCh38, 1-based): chr1:943,265, G>A. VCF-style: chr1-943265-G-A. GRCh37 (hg19) VCF-style: chr1-878645-G-A.
Other names: c.2069G>A, p.Gly690Glu (NM_001385640.1); c.1577G>A, p.Gly526Glu (NM_152486.4); short protein forms G526E, G689E, G690E.
Identifiers: ClinVar variation 2049598 (VCV002049598.4), dbSNP rs1005662241, ClinGen allele CA16726122.